The following is an entry in ClinVar:

ClinVar aggregate classification (germline): Uncertain significance (1 of 4 stars; one submission).

Submission:

Ambry Genetics
Classification: Uncertain significance. Last evaluated: 2022-06-27. Review status: criteria provided, single submitter. Criteria: Ambry Variant Classification Scheme 2023. Collection method: clinical testing. Allele origin: germline.
Comment: The p.G56R variant (also known as c.166G>A), located in coding exon 3 of the NPAT gene, results from a G to A substitution at nucleotide position 166. The glycine at codon 56 is replaced by arginine, an amino acid with dissimilar properties. This amino acid position is conserved. In addition, the in silico prediction for this alteration is inconclusive. Since supporting evidence is limited at this time, the clinical significance of this alteration remains unclear.

NM_002519.3(NPAT):c.166G>A (p.Gly56Arg)

Gene: NPAT (nuclear protein, coactivator of histone transcription; minus strand). Cytogenetic location: 11q22.3.
Variant type: single nucleotide variant.
Coding change: c.166G>A on transcript NM_002519.3 (MANE Select); coding-DNA position 166, G replaced by A.
Protein change: p.Gly56Arg; replaces glycine 56 with arginine.
Molecular consequence: missense variant.
Genome position (GRCh38, 1-based): chr11:108,194,008, C>T on the plus strand (G>A on the coding strand, the complement: NPAT is on the minus strand). VCF-style: chr11-108194008-C-T. GRCh37 (hg19) VCF-style: chr11-108064735-C-T.
Other names: c.166G>A, p.Gly56Arg (NM_001321307.1); short protein forms G56R.
Identifiers: ClinVar variation 1777660 (VCV001777660.2), dbSNP rs2496754540, ClinGen allele CA382526891.